The following is an entry in ClinVar:

NM_000059.4(BRCA2):c.505_506del (p.Lys169fs)

Gene: BRCA2 (BRCA2 DNA repair associated; plus strand). Cytogenetic location: 13q13.1.
Variant type: Deletion.
Coding change: c.505_506del on transcript NM_000059.4 (MANE Select); coding-DNA positions 505 to 506, 2 bases deleted (AA; older notation c.505_506delAA).
Protein change: p.Lys169fs; shifts the reading frame from lysine 169.
Molecular consequence: frameshift variant. On other transcripts: non-coding transcript variant (1).
Genome position (GRCh38, 1-based): chr13:32,326,271-32,326,272, AA deleted; deleting any 2 consecutive bases within chr13:32,326,270-32,326,272 gives the same sequence; the c. name uses the placement nearest the transcript's 3' end. VCF-style (leftmost placement, unchanged base first): chr13-32326269-CAA-C. GRCh37 (hg19) VCF-style: chr13-32900406-CAA-C.
Other names: c.505_506del, p.Lys169fs (NM_001406719.1, NM_001406720.1, NM_001406721.1); c.136_137del, p.Lys46fs (NM_001406722.1); short protein forms K169fs, K46fs.
Identifiers: ClinVar variation 2637307 (VCV002637307.1), dbSNP rs886040563, ClinGen allele CA2695199262.
Genomic context (GRCh38, chr13:32,326,269, plus strand): 5'-AACTTAACAATTTTCCCCTTTTTTTACCCCCAGTGGTATGTGGGAGTTTGTTTCATACAC[CAA>C]AGTTTGTGAAGGTAAATATTCTACCTGGTTTATTTTTATGACTTAGTAATTGAGAATTTG-3'

ClinVar aggregate classification (germline): Pathogenic (1 of 4 stars; one submission).

Conditions:
BRCA2-related disorder. Also called: BRCA2-related condition; BRCA2-related disorders. Identifiers: MedGen CN239275.

Submission:

PreventionGenetics, part of Exact Sciences
Classification: Pathogenic for BRCA2-related condition. Last evaluated: 2022-10-14. Review status: criteria provided, single submitter. Criteria: ACMG Guidelines, 2015. Collection method: clinical testing. Allele origin: germline.
Comment: The BRCA2 c.505_506delAA variant is predicted to result in a frameshift and premature protein termination (p.Lys169Valfs*13). To our knowledge, this variant has not been reported in the literature or in a large population database, indicating this variant is rare. Frameshift variants in BRCA2 are expected to be pathogenic. This variant is interpreted as pathogenic.